The following is an entry in ClinVar:

ClinVar aggregate classification (germline): Uncertain significance. Review status: criteria provided, multiple submitters, no conflicts (2 of 4 stars). 2 submissions from 2 submitters: Uncertain significance (2). Last evaluated 2024-08-29.

Conditions:
Wiedemann-Steiner syndrome (WDSTS). Also called: Growth deficiency and mental retardation with facial dysmorphism. Identifiers: Orphanet 319182, MedGen C1854630, MONDO:0011518, OMIM 605130.

Allele frequency attached by ClinVar (database versions not stated): gnomAD 0.00001; gnomAD exomes 0.00001.
gnomAD v4.1: 11 of 1,613,988 alleles (0.00068%); highest among the groups gnomAD compares: Non-Finnish European, 0.00093%; no homozygotes.

Submissions (2):

Labcorp Genetics (formerly Invitae), Labcorp
Classification: Uncertain significance. Last evaluated: 2024-08-29. Review status: criteria provided, single submitter. Criteria: Invitae Variant Classification Sherloc (09022015). Collection method: clinical testing. Allele origin: germline.
Comment: This sequence change replaces cysteine, which is neutral and slightly polar, with arginine, which is basic and polar, at codon 2482 of the KMT2A protein (p.Cys2482Arg). This variant is not present in population databases (gnomAD no frequency). This variant has not been reported in the literature in individuals affected with KMT2A-related conditions. ClinVar contains an entry for this variant (Variation ID: 1708967). Invitae Evidence Modeling of protein sequence and biophysical properties (such as structural, functional, and spatial information, amino acid conservation, physicochemical variation, residue mobility, and thermodynamic stability) indicates that this missense variant is not expected to disrupt KMT2A protein function with a negative predictive value of 95%. In summary, the available evidence is currently insufficient to determine the role of this variant in disease. Therefore, it has been classified as a Variant of Uncertain Significance.

MGZ Medical Genetics Center
Classification: Uncertain significance for Wiedemann-Steiner syndrome. Last evaluated: 2022-02-24. Review status: criteria provided, single submitter. Criteria: ACMG Guidelines, 2015. Collection method: clinical testing. Allele origin: germline. Affected: yes. Observed: 1 variant allele.
Comment: ACMG criteria applied: PM2_SUP, PP3

NM_001197104.2(KMT2A):c.7444T>C (p.Cys2482Arg)

Gene: KMT2A (lysine methyltransferase 2A; plus strand). Cytogenetic location: 11q23.3.
Variant type: single nucleotide variant.
Coding change: c.7444T>C on transcript NM_001197104.2 (MANE Select); coding-DNA position 7444, T replaced by C.
Protein change: p.Cys2482Arg; replaces cysteine 2482 with arginine.
Molecular consequence: missense variant.
Genome position (GRCh38, 1-based): chr11:118,503,336, T>C. VCF-style: chr11-118503336-T-C. GRCh37 (hg19) VCF-style: chr11-118374051-T-C.
Other names: c.7435T>C, p.Cys2479Arg (NM_005933.4); short protein forms C2479R, C2482R.
Identifiers: ClinVar variation 1708967 (VCV001708967.7), dbSNP rs1950531591, ClinGen allele CA382805597.